The following is an entry in ClinVar:

NM_022725.4(FANCF):c.1011A>G (p.Gly337=)

Genes: FANCF (FA complementation group F; minus strand), LOC130005443 (ATAC-STARR-seq lymphoblastoid active region 4533; plus strand). Cytogenetic location: 11p14.3.
Variant type: single nucleotide variant.
Coding change: c.1011A>G on transcript NM_022725.4 (MANE Select); coding-DNA position 1011, A replaced by G.
Protein change: p.Gly337=; no amino-acid change (glycine 337 retained).
Molecular consequence: synonymous variant.
Genome position (GRCh38, 1-based): chr11:22,624,800, T>C on the plus strand (A>G on the coding strand, the complement: FANCF is on the minus strand). VCF-style: chr11-22624800-T-C. GRCh37 (hg19) VCF-style: chr11-22646346-T-C.
Identifiers: ClinVar variation 2641689 (VCV002641689.24), dbSNP rs1858615767, ClinGen allele CA473533210.
Genomic context (GRCh38, chr11:22,624,800, plus strand): 5'-ACCACTACGAAGAGCTAATAAGAGGTCTGTCCAGATGCTAAGACCAGGTACTTCAAAATC[T>C]CCATCCTGCGCTTTACAGGTCTCCAGGGCAGTTAGAACTTTATCTTTCAGAGGTGGAGGG-3'
Protein context (NP_073562.1, residues 327-347): TALETCKAQD[Gly337=]DFEVPGLSIW

ClinVar aggregate classification (germline): Likely benign (1 of 4 stars; one submission).

Submission:

CeGaT Center for Human Genetics Tuebingen
Classification: Likely benign. Last evaluated: 2023-07-01. Review status: criteria provided, single submitter. Criteria: CeGaT Center For Human Genetics Tuebingen Variant Classification Criteria Version 2. Collection method: clinical testing. Allele origin: germline. Affected: yes. Observed: 1 variant allele.
Comment: FANCF: PM2:Supporting, BP4, BP7